The following is an entry in ClinVar:

ClinVar aggregate classification (germline): Pathogenic/Likely pathogenic. Review status: criteria provided, multiple submitters, no conflicts (2 of 4 stars). 4 submissions from 4 submitters: Pathogenic (3); Likely pathogenic (1). Last evaluated 2026-04-23.

Conditions:
OTOGL-related disorder. Also called: OTOGL-related condition.
Autosomal recessive nonsyndromic hearing loss 84B. Also called: Deafness, autosomal recessive 84b. Identifiers: Orphanet 90636, MedGen C3554159, MONDO:0013984, OMIM 614944.

gnomAD v4.1: 4 of 1,496,090 alleles (0.00027%); highest among the groups gnomAD compares: East Asian, 0.0074%; no homozygotes.

Submissions (4):

GeneDx
Classification: Pathogenic. Last evaluated: 2026-04-23. Review status: criteria provided, single submitter. Criteria: GeneDx Variant Classification Process June 2021. Collection method: clinical testing. Allele origin: germline.
Comment: Reported with a second variant (phase unknown) in a patient with congenital hearing loss in published literature (PMID: 40004452); Nonsense variant predicted to result in protein truncation or nonsense mediated decay in a gene for which loss of function is a known mechanism of disease; This variant is associated with the following publications: (PMID: 40004452)

PreventionGenetics, part of Exact Sciences
Classification: Pathogenic for OTOGL-related condition. Last evaluated: 2025-11-07. Review status: criteria provided, single submitter. Criteria: ACMG Guidelines, 2015. Collection method: clinical testing. Allele origin: germline.
Comment: The OTOGL c.6409G>T variant is predicted to result in premature protein termination (p.Glu2137*). This variant was reported with another nonsense variant in an individual with OTOGL-associated hearing loss (Maekawa et al. 2025 PubMed ID: 40004452). This variant is reported in 0.0095% of alleles in individuals of East Asian descent in gnomAD. Nonsense variants in OTOGL are expected to be pathogenic. This variant is interpreted as pathogenic.

Institute of Rare Diseases, West China Hospital, Sichuan University
Classification: Pathogenic for Autosomal recessive nonsyndromic hearing loss 84B. Last evaluated: 2025-01-09. Review status: criteria provided, single submitter. Criteria: ClinGen HL ACMG Specifications v1. Collection method: research. Allele origin: germline. Affected: yes.
Comment: PVS1;PM3;PM2_Supporting

Juno Genomics, Hangzhou Juno Genomics, Inc
Classification: Likely pathogenic for Autosomal recessive nonsyndromic hearing loss 84B. Review status: criteria provided, single submitter. Criteria: ACMG Guidelines, 2015. Collection method: clinical testing. Allele origin: germline.
Comment: Null variant in a gene where loss of function (LOF) is a known mechanism of disease.;Absent from controls (or at extremely low frequency if recessive) in Genome Aggregation Database.

NM_001378609.3(OTOGL):c.6436G>T (p.Glu2146Ter)

Gene: OTOGL (otogelin like; plus strand). Cytogenetic location: 12q21.31.
Variant type: single nucleotide variant.
Coding change: c.6436G>T on transcript NM_001378609.3 (MANE Select); coding-DNA position 6436, G replaced by T.
Protein change: p.Glu2146Ter; replaces glutamic acid 2146 with a stop codon.
Molecular consequence: nonsense.
Genome position (GRCh38, 1-based): chr12:80,367,665, G>T. VCF-style: chr12-80367665-G-T. GRCh37 (hg19) VCF-style: chr12-80761445-G-T.
Other names: c.6301G>T, p.Glu2101Ter (NM_001368062.3); c.6436G>T, p.Glu2146Ter (NM_001378610.3, NM_173591.7); c.6409G>T (NM_173591.3); short protein forms E2101*, E2146*.
Identifiers: ClinVar variation 3601567 (VCV003601567.4).